The following is an entry in ClinVar:

NM_002900.3(RBP3):c.1036C>G (p.Arg346Gly)

Gene: RBP3 (retinol binding protein 3; plus strand). Cytogenetic location: 10q11.22.
Variant type: single nucleotide variant.
Coding change: c.1036C>G on transcript NM_002900.3 (MANE Select); coding-DNA position 1036, C replaced by G.
Protein change: p.Arg346Gly; replaces arginine 346 with glycine.
Molecular consequence: missense variant.
Genome position (GRCh38, 1-based): chr10:47,349,520, C>G. VCF-style: chr10-47349520-C-G. GRCh37 (hg19) VCF-style: chr10-48389842-G-C.
Other names: short protein forms R346G.
Identifiers: ClinVar variation 1060100 (VCV001060100.8), dbSNP rs781791441, ClinGen allele CA376667682.

ClinVar aggregate classification (germline): Uncertain significance (1 of 4 stars; one submission).

gnomAD v4.1: 10 of 1,613,008 alleles (0.00062%); highest among the groups gnomAD compares: East Asian, 0.0022%; no homozygotes.

Submission:

Labcorp Genetics (formerly Invitae), Labcorp
Classification: Uncertain significance. Last evaluated: 2020-06-18. Review status: criteria provided, single submitter. Criteria: Invitae Variant Classification Sherloc (09022015). Collection method: clinical testing. Allele origin: germline.
Comment: In summary, the available evidence is currently insufficient to determine the role of this variant in disease. Therefore, it has been classified as a Variant of Uncertain Significance. Algorithms developed to predict the effect of missense changes on protein structure and function do not agree on the potential impact of this missense change (SIFT: "Deleterious"; PolyPhen-2: "Possibly Damaging"; Align-GVGD: "Class C0"). This variant has not been reported in the literature in individuals with RBP3-related disease. This variant is not present in population databases (ExAC no frequency). This sequence change replaces arginine with glycine at codon 346 of the RBP3 protein (p.Arg346Gly). The arginine residue is highly conserved and there is a moderate physicochemical difference between arginine and glycine.